The following is an entry in ClinVar:

NM_000257.4(MYH7):c.4848G>C (p.Lys1616Asn)

Genes: MHRT (myosin heavy chain associated RNA transcript; plus strand), MYH7 (myosin heavy chain 7; minus strand), LOC126861897 (BRD4-independent group 4 enhancer GRCh37_chr14:23884455-23885654; plus strand). Cytogenetic location: 14q11.2.
Variant type: single nucleotide variant.
Coding change: c.4848G>C on transcript NM_000257.4 (MANE Select); coding-DNA position 4848, G replaced by C.
Protein change: p.Lys1616Asn; replaces lysine 1616 with asparagine.
Molecular consequence: missense variant. On other transcripts: non-coding transcript variant (1).
Genome position (GRCh38, 1-based): chr14:23,416,109, C>G on the plus strand (G>C on the coding strand, the complement: MYH7 is on the minus strand). VCF-style: chr14-23416109-C-G. GRCh37 (hg19) VCF-style: chr14-23885318-C-G.
Other names: c.4848G>C, p.Lys1616Asn (NM_001407004.1); short protein forms K1616N.
Identifiers: ClinVar variation 4086491 (VCV004086491.1).

ClinVar aggregate classification (germline): Uncertain significance (1 of 4 stars; one submission).

Submission:

GeneDx
Classification: Uncertain significance. Last evaluated: 2025-03-16. Review status: criteria provided, single submitter. Criteria: GeneDx Variant Classification Process June 2021. Collection method: clinical testing. Allele origin: germline. Affected: yes.
Comment: Not observed at significant frequency in large population cohorts (gnomAD); In silico analysis supports that this missense variant has a deleterious effect on protein structure/function; Has not been previously published as pathogenic or benign to our knowledge